The following is an entry in ClinVar:

ClinVar aggregate classification (germline): Pathogenic/Likely pathogenic. Review status: criteria provided, multiple submitters, no conflicts (2 of 4 stars). 2 submissions from 2 submitters: Pathogenic (1); Likely pathogenic (1). Last evaluated 2026-01-13.

Conditions:
Fanconi anemia (FA). Also called: Fanconi's anemia. Identifiers: Orphanet 84, MedGen C0015625, MeSH D005199, MONDO:0019391.
Fanconi anemia complementation group A (FANCA). Also called: FANCA-Related Fanconi Anemia; Fanconi anemia, group A. Identifiers: Orphanet 84, MedGen C3469521, MONDO:0009215, OMIM 227650.

gnomAD v4.1: 3 of 1,613,000 alleles (0.00019%); highest among the groups gnomAD compares: Admixed American, 0.005%; no homozygotes.

Submissions (2):

Natera, Inc.
Classification: Likely pathogenic for Fanconi anemia. Last evaluated: 2026-01-13. Review status: criteria provided, single submitter. Criteria: Natera Variant Classification Schema (03/2026). Collection method: clinical testing. Allele origin: germline.
Comment: The c.2529C>G variant in FANCA is a nonsense variant predicted to introduce a stop codon at amino acid 843. This variant is expected to result in nonsense mediated decay, truncation, or a dysfunctional protein product. This variant is rare in the general population with a frequency below the threshold expected for the associated phenotype(s). Given the available evidence, this variant is classified as Likely Pathogenic.

Baylor Genetics
Classification: Pathogenic for Fanconi anemia complementation group A. Last evaluated: 2019-08-28. Review status: criteria provided, single submitter. Criteria: ACMG Guidelines, 2015. Collection method: clinical testing. Allele origin: paternal. Affected: yes. Study: CSER-TexasKidsCanSeq.
Comment: This variant was determined to be pathogenic according to ACMG Guidelines, 2015 [PMID:25741868].

NM_000135.4(FANCA):c.2529C>G (p.Tyr843Ter)

Gene: FANCA (FA complementation group A; minus strand). Cytogenetic location: 16q24.3.
Variant type: single nucleotide variant.
Coding change: c.2529C>G on transcript NM_000135.4 (MANE Select); coding-DNA position 2529, C replaced by G.
Protein change: p.Tyr843Ter; replaces tyrosine 843 with a stop codon.
Molecular consequence: nonsense.
Genome position (GRCh38, 1-based): chr16:89,767,213, G>C on the plus strand (C>G on the coding strand, the complement: FANCA is on the minus strand). VCF-style: chr16-89767213-G-C. GRCh37 (hg19) VCF-style: chr16-89833621-G-C.
Other names: c.2529C>G, p.Tyr843Ter (NM_001286167.3); c.2529C>G (NM_000135.3); short protein forms Y843*.
Identifiers: ClinVar variation 997632 (VCV000997632.3), dbSNP rs1247378731, ClinGen allele CA397440789.